The following is an entry in ClinVar:

ClinVar aggregate classification (germline): Uncertain significance (1 of 4 stars; one submission).

Conditions:
Early-infantile DEE. Also called: Early infantile epileptic encephalopathy; Ohtahara syndrome; Early infantile epileptic encephalopathy with suppression bursts. Identifiers: Orphanet 1934, MedGen C0393706, MONDO:0800491.

gnomAD v4.1: 8 of 1,597,774 alleles (0.0005%); highest among the groups gnomAD compares: Non-Finnish European, 0.00068%; no homozygotes.

Submission:

Labcorp Genetics (formerly Invitae), Labcorp
Classification: Uncertain significance for Early-infantile DEE. Last evaluated: 2024-03-13. Review status: criteria provided, single submitter. Criteria: Invitae Variant Classification Sherloc (09022015). Collection method: clinical testing. Allele origin: germline.
Comment: This sequence change falls in intron 25 of the SPTAN1 gene. It does not directly change the encoded amino acid sequence of the SPTAN1 protein. It affects a nucleotide within the consensus splice site. This variant is not present in population databases (gnomAD no frequency). This variant has not been reported in the literature in individuals affected with SPTAN1-related conditions. Variants that disrupt the consensus splice site are a relatively common cause of aberrant splicing (PMID: 17576681, 9536098). Algorithms developed to predict the effect of sequence changes on RNA splicing suggest that this variant is not likely to affect RNA splicing. In summary, the available evidence is currently insufficient to determine the role of this variant in disease. Therefore, it has been classified as a Variant of Uncertain Significance.

Literature cited by the submitters: PubMed 17576681; PubMed 9536098.

NM_001130438.3(SPTAN1):c.3519+3A>G

Gene: SPTAN1 (spectrin alpha, non-erythrocytic 1; plus strand). Cytogenetic location: 9q34.11.
Variant type: single nucleotide variant.
Coding change: c.3519+3A>G on transcript NM_001130438.3 (MANE Select); 3 bases into the intron after coding-DNA position 3519, A replaced by G.
Molecular consequence: intron variant.
Genome position (GRCh38, 1-based): chr9:128,598,507, A>G. VCF-style: chr9-128598507-A-G. GRCh37 (hg19) VCF-style: chr9-131360786-A-G.
Other names: c.3555+3A>G (NM_001375318.1, NM_001375312.2); c.3519+3A>G (NM_001375311.2, NM_001375310.1, NM_001363759.2 and 2 more transcripts); c.3459+3A>G (NM_001375314.2, NM_001363765.2, NM_001195532.2).
Identifiers: ClinVar variation 3635480 (VCV003635480.2).